The following is an entry in ClinVar:

NM_181741.4(ORC4):c.223A>G (p.Met75Val)

Gene: ORC4 (origin recognition complex subunit 4; minus strand). Cytogenetic location: 2q23.1.
Variant type: single nucleotide variant.
Coding change: c.223A>G on transcript NM_181741.4 (MANE Select); coding-DNA position 223, A replaced by G.
Protein change: p.Met75Val; replaces methionine 75 with valine.
Molecular consequence: missense variant. On other transcripts: initiator codon variant (1), 5 prime UTR variant (1), intron variant (1).
Genome position (GRCh38, 1-based): chr2:147,972,741, T>C on the plus strand (A>G on the coding strand, the complement: ORC4 is on the minus strand). VCF-style: chr2-147972741-T-C. GRCh37 (hg19) VCF-style: chr2-148730310-T-C.
Other names: c.223A>G, p.Met75Val (NM_001190879.3, NM_001374270.1, NM_002552.5 and 1 more transcripts); c.1A>G, p.Met1Val (NM_001190882.3); c.-95A>G (NM_001374272.1); c.-27-13875A>G (NM_001190881.3); short protein forms M1V, M75V.
Identifiers: ClinVar variation 1495274 (VCV001495274.8), dbSNP rs754030709, ClinGen allele CA1899702.

ClinVar aggregate classification (germline): Uncertain significance (1 of 4 stars; one submission).

Allele frequency attached by ClinVar (database versions not stated): gnomAD exomes below 0.00001 and 0.00001; ExAC 0.00001.
gnomAD v4.1: 7 of 1,600,140 alleles (0.00044%); highest among the groups gnomAD compares: Admixed American, 0.0017%; no homozygotes.

Submission:

Labcorp Genetics (formerly Invitae), Labcorp
Classification: Uncertain significance. Last evaluated: 2020-12-20. Review status: criteria provided, single submitter. Criteria: Invitae Variant Classification Sherloc (09022015). Collection method: clinical testing. Allele origin: germline.
Comment: This variant has not been reported in the literature in individuals with ORC4-related conditions. This variant is present in population databases (rs754030709, ExAC 0.009%). This sequence change replaces methionine with valine at codon 75 of the ORC4 protein (p.Met75Val). The methionine residue is weakly conserved and there is a small physicochemical difference between methionine and valine. In summary, the available evidence is currently insufficient to determine the role of this variant in disease. Therefore, it has been classified as a Variant of Uncertain Significance. Algorithms developed to predict the effect of missense changes on protein structure and function (SIFT, PolyPhen-2, Align-GVGD) all suggest that this variant is likely to be tolerated, but these predictions have not been confirmed by published functional studies and their clinical significance is uncertain.